The following is an entry in ClinVar:

NM_001365951.3(KIF1B):c.2604C>T (p.Asp868=)

Gene: KIF1B (kinesin family member 1B; plus strand). Cytogenetic location: 1p36.22.
Variant type: single nucleotide variant.
Coding change: c.2604C>T on transcript NM_001365951.3 (MANE Select); coding-DNA position 2604, C replaced by T.
Protein change: p.Asp868=; no amino-acid change (aspartic acid 868 retained).
Molecular consequence: synonymous variant.
Genome position (GRCh38, 1-based): chr1:10,324,824, C>T. VCF-style: chr1-10324824-C-T. GRCh37 (hg19) VCF-style: chr1-10384882-C-T.
Other names: c.2604C>T, p.Asp868= (NM_001365952.1); c.2466C>T, p.Asp822= (NM_015074.3).
Identifiers: ClinVar variation 215881 (VCV000215881.63), dbSNP rs145846362, ClinGen allele CA335796.

ClinVar aggregate classification (germline): Likely benign. Review status: criteria provided, multiple submitters, no conflicts (2 of 4 stars). 9 submissions from 9 submitters: Likely benign (8). 1 of the submissions does not count toward it. Last evaluated 2026-04-01.

Conditions:
KIF1B-related disorder. Also called: KIF1B-related condition.
Charcot-Marie-Tooth disease type 2. Also called: Charcot-Marie-Tooth type 2. Identifiers: Orphanet 64746, MedGen C0270914, MONDO:0018993.
Neuroblastoma (NB). Identifiers: Orphanet 635, MedGen C0027819, MeSH D009447, MONDO:0005072, HP:0003006.
Charcot-Marie-Tooth disease. Also called: Charcot-Marie-Tooth Hereditary Neuropathy; Charcot-Marie-Tooth Neuropathy. Identifiers: Orphanet 166, MedGen C0007959, MONDO:0015626.

Allele frequency attached by ClinVar (database versions not stated): gnomAD 0.00031 and 0.00033; ExAC 0.00039; TOPMed 0.00040; gnomAD exomes 0.00042 and 0.00065; ESP Exome Variant Server 0.00069.
gnomAD v4.1: 1,000 of 1,614,126 alleles (0.062%); highest among the groups gnomAD compares: Non-Finnish European, 0.077%; 2 homozygotes.

Submissions (9):

CeGaT Center for Human Genetics Tuebingen
Classification: Likely benign. Last evaluated: 2026-04-01. Review status: criteria provided, single submitter. Criteria: CeGaT Center For Human Genetics Tuebingen Variant Classification Criteria Version 2. Collection method: clinical testing. Allele origin: germline. Affected: yes. Observed: 6 variant alleles.
Comment: KIF1B: BP4, BP7

Women's Health and Genetics/Laboratory Corporation of America, LabCorp
Classification: Likely benign. Last evaluated: 2026-03-11. Review status: criteria provided, single submitter. Criteria: LabCorp Variant Classification Summary - May 2015. Collection method: clinical testing. Allele origin: germline.

Labcorp Genetics (formerly Invitae), Labcorp
Classification: Likely benign for Charcot-Marie-Tooth disease type 2. Last evaluated: 2026-01-11. Review status: criteria provided, single submitter. Criteria: Invitae Variant Classification Sherloc (09022015). Collection method: clinical testing. Allele origin: germline.

Blueprint Genetics
Classification: Likely benign. Last evaluated: 2024-08-29. Review status: criteria provided, single submitter. Criteria: ACMG Guidelines, 2015. Collection method: clinical testing. Allele origin: germline.

ARUP Laboratories, Molecular Genetics and Genomics, ARUP Laboratories
Classification: Likely benign. Last evaluated: 2024-07-25. Review status: criteria provided, single submitter. Criteria: ARUP Molecular Germline Variant Investigation Process 2024. Collection method: clinical testing. Allele origin: germline.

Ambry Genetics
Classification: Likely benign. Last evaluated: 2020-08-14. Review status: criteria provided, single submitter. Criteria: Ambry Variant Classification Scheme 2023. Collection method: clinical testing. Allele origin: germline.

Illumina Laboratory Services, Illumina
Classification: Likely benign for Neuroblastoma. Last evaluated: 2018-01-12. Review status: criteria provided, single submitter. Criteria: ICSL Variant Classification Criteria 13 December 2019. Collection method: clinical testing. Allele origin: germline.
Comment: This variant was observed in the ICSL laboratory as part of a predisposition screen in an ostensibly healthy population. It had not been previously curated by ICSL or reported in the Human Gene Mutation Database (HGMD: prior to June 1st, 2018), and was therefore a candidate for classification through an automated scoring system. Utilizing variant allele frequency, disease prevalence and penetrance estimates, and inheritance mode, an automated score was calculated to assess if this variant is too frequent to cause the disease. Based on the score and internal cut-off values, a variant classified as likely benign is not then subjected to further curation. The score for this variant resulted in a classification of likely benign for this disease.

Molecular Genetics Laboratory, London Health Sciences Centre
Classification: Likely benign for Charcot-Marie-Tooth disease. Review status: criteria provided, single submitter. Criteria: ACMG Guidelines, 2015. Collection method: clinical testing. Allele origin: germline. Affected: yes.

PreventionGenetics, part of Exact Sciences
Classification: Likely benign for KIF1B-related condition. Last evaluated: 2022-01-21. Review status: no assertion criteria provided. Collection method: clinical testing. Allele origin: germline. Not counted in ClinVar's aggregate classification.
Comment: This variant is classified as likely benign based on ACMG/AMP sequence variant interpretation guidelines (Richards et al. 2015 PMID: 25741868, with internal and published modifications).